The following is an entry in ClinVar:

NM_013275.6(ANKRD11):c.4374_4375del (p.Lys1459fs)

Gene: ANKRD11 (ankyrin repeat domain 11; minus strand). Cytogenetic location: 16q24.3.
Variant type: Microsatellite.
Coding change: c.4374_4375del on transcript NM_013275.6 (MANE Select); coding-DNA positions 4374 to 4375, 2 bases deleted (GA; older notation c.4374_4375delGA).
Protein change: p.Lys1459fs; shifts the reading frame from lysine 1459.
Molecular consequence: frameshift variant.
Genome position (GRCh38, 1-based): chr16:89,282,167-89,282,168, TC deleted on the plus strand (GA on the coding strand, the reverse complement: ANKRD11 is on the minus strand); deleting any 2 consecutive bases within chr16:89,282,167-89,282,171 gives the same sequence; the c. name uses the placement nearest the transcript's 3' end. VCF-style (leftmost placement, unchanged base first): chr16-89282166-TTC-T. GRCh37 (hg19) VCF-style: chr16-89348574-TTC-T.
Other names: c.4374_4375del, p.Lys1459fs (NM_001256182.2, NM_001256183.2); short protein forms K1459fs.
Identifiers: ClinVar variation 4755723 (VCV004755723.1).

ClinVar aggregate classification (germline): Likely pathogenic (1 of 4 stars; one submission).

Submission:

GeneDx
Classification: Likely pathogenic. Last evaluated: 2025-08-08. Review status: criteria provided, single submitter. Criteria: GeneDx Variant Classification Process June 2021. Collection method: clinical testing. Allele origin: germline. Affected: yes.
Comment: Reported in a patient with KBG syndrome in published literature (PMID: 32124548); Frameshift variant predicted to result in protein truncation or nonsense mediated decay in a gene for which loss of function is a known mechanism of disease; Not observed at significant frequency in large population cohorts (gnomAD); This variant is associated with the following publications: (PMID: 34971082, 32124548)